The following is an entry in ClinVar:

NM_004336.5(BUB1):c.3083G>A (p.Trp1028Ter)

Gene: BUB1 (BUB1 mitotic checkpoint serine/threonine kinase; minus strand). Cytogenetic location: 2q13.
Variant type: single nucleotide variant.
Coding change: c.3083G>A on transcript NM_004336.5 (MANE Select); coding-DNA position 3083, G replaced by A.
Protein change: p.Trp1028Ter; replaces tryptophan 1028 with a stop codon.
Molecular consequence: nonsense.
Genome position (GRCh38, 1-based): chr2:110,638,139, C>T on the plus strand (G>A on the coding strand, the complement: BUB1 is on the minus strand). VCF-style: chr2-110638139-C-T. GRCh37 (hg19) VCF-style: chr2-111395716-C-T.
Other names: c.3023G>A, p.Trp1008Ter (NM_001278616.2); c.2912G>A, p.Trp971Ter (NM_001278617.2); short protein forms W1008*, W1028*, W971*.
Identifiers: ClinVar variation 5018732 (VCV005018732.2).

ClinVar aggregate classification (germline): Uncertain significance (1 of 4 stars; one submission).

Conditions:
Microcephaly 30, primary, autosomal recessive (MCPH30). Identifiers: MedGen C5774280, MONDO:0859342, OMIM 620183.
Colorectal cancer. Also called: Malignant Colorectal Neoplasm; Colorectal cancer, somatic. Identifiers: MedGen C0346629, MONDO:0005575, OMIM 114500.

Submission:

Juno Genomics, Hangzhou Juno Genomics, Inc
Classification: Uncertain significance for Microcephaly 30, primary, autosomal recessive; Colorectal cancer. Review status: criteria provided, single submitter. Criteria: ACMG Guidelines, 2015. Collection method: clinical testing. Allele origin: germline.
Comment: Absent from controls (or at extremely low frequency if recessive) in Genome Aggregation Database.